The following is an entry in ClinVar:

NM_015910.7(WDPCP):c.826-1G>A

Gene: WDPCP (WD repeat containing planar cell polarity effector; minus strand). Cytogenetic location: 2p15.
Variant type: single nucleotide variant.
Coding change: c.826-1G>A on transcript NM_015910.7 (MANE Select); the canonical splice acceptor site of the intron before coding-DNA position 826, G replaced by A.
Molecular consequence: splice acceptor variant.
Genome position (GRCh38, 1-based): chr2:63,404,658, C>T on the plus strand (G>A on the coding strand, the complement: WDPCP is on the minus strand). VCF-style: chr2-63404658-C-T. GRCh37 (hg19) VCF-style: chr2-63631793-C-T.
Other names: c.754-1G>A (NM_001354044.2); c.349-1G>A (NM_001042692.3); c.826-1G>A (NM_001354045.2, NM_015910.5).
Identifiers: ClinVar variation 3618279 (VCV003618279.4).
Genomic context (GRCh38, chr2:63,404,658, plus strand): 5'-CTGTTTGGTGCCAAAGCGAACATCCAGTGGGTCCCATTCTGTGCGGACAGAACTCAGAAC[C>T]TGTTAAGAAATATATCAAGTACATTCAGATAAACTTTGGTTTTTCTTCAACTTCACACCT-3'

ClinVar aggregate classification (germline): Likely pathogenic. Review status: criteria provided, multiple submitters, no conflicts (2 of 4 stars). 3 submissions from 3 submitters: Likely pathogenic (3). Last evaluated 2025-07-03.

Conditions:
WDPCP-related disorder. Also called: WDPCP-related condition.
Bardet-Biedl syndrome (BBS). Identifiers: Orphanet 110, MedGen C0752166, MONDO:0015229.

gnomAD v4.1: 4 of 1,613,950 alleles (0.00025%); highest among the groups gnomAD compares: Non-Finnish European, 0.00034%; no homozygotes.

Submissions (3):

PreventionGenetics, part of Exact Sciences
Classification: Likely pathogenic for WDPCP-related condition. Last evaluated: 2025-07-03. Review status: criteria provided, single submitter. Criteria: ACMG Guidelines, 2015. Collection method: clinical testing. Allele origin: germline.
Comment: The WDPCP c.826-1G>A variant is predicted to disrupt the AG splice acceptor site and interfere with normal splicing. This variant has been documented in a carrier studying examining the prevalence of autosomal recessive inherited retinal diseases (Table S3 in Hanany et al. 2020. PubMed ID: 31964843). This variant is reported in 0.00090% of alleles in individuals of European (Non-Finnish) descent in gnomAD. Variants that disrupt the consensus splice acceptor site in WDPCP are expected to be pathogenic. This variant is interpreted as likely pathogenic.

Labcorp Genetics (formerly Invitae), Labcorp
Classification: Likely pathogenic for Bardet-Biedl syndrome. Last evaluated: 2025-03-17. Review status: criteria provided, single submitter. Criteria: Invitae Variant Classification Sherloc (09022015). Collection method: clinical testing. Allele origin: germline.
Comment: This sequence change affects an acceptor splice site in intron 9 of the WDPCP gene. It is expected to disrupt RNA splicing. Variants that disrupt the donor or acceptor splice site typically lead to a loss of protein function (PMID: 16199547), and loss-of-function variants in WDPCP are known to be pathogenic (PMID: 20671153, 25427950, 27158779). This variant is present in population databases (rs781487374, gnomAD 0.0009%). This variant has not been reported in the literature in individuals affected with WDPCP-related conditions. Algorithms developed to predict the effect of sequence changes on RNA splicing suggest that this variant may disrupt the consensus splice site. In summary, the currently available evidence indicates that the variant is pathogenic, but additional data are needed to prove that conclusively. Therefore, this variant has been classified as Likely Pathogenic.

Department of Pathology and Laboratory Medicine, Sinai Health System
Classification: Likely pathogenic for Bardet-Biedl syndrome. Last evaluated: 2023-02-06. Review status: criteria provided, single submitter. Criteria: ACMG Guidelines, 2015. Collection method: research. Allele origin: germline.

Literature cited by the submitters: PubMed 16199547 (cited by Labcorp Genetics (formerly Invitae), Labcorp); PubMed 20671153 (cited by Labcorp Genetics (formerly Invitae), Labcorp); PubMed 25427950 (cited by Labcorp Genetics (formerly Invitae), Labcorp); PubMed 27158779 (cited by Labcorp Genetics (formerly Invitae), Labcorp).